The following is an entry in ClinVar:

ClinVar aggregate classification (germline): Benign (0 of 4 stars; one submission).

Conditions:
PPP2R3A-related disorder. Also called: PPP2R3A-related condition.

Allele frequency attached by ClinVar (database versions not stated): 1000 Genomes Project 30x 0.00094; 1000 Genomes Project 0.00120; TOPMed 0.00166; ESP Exome Variant Server 0.00169; gnomAD 0.00221; ExAC 0.00229; gnomAD exomes 0.00249.
gnomAD v4.1: 3,941 of 1,613,854 alleles (0.24%); highest among the groups gnomAD compares: Non-Finnish European, 0.26%; 12 homozygotes.

Submission:

PreventionGenetics, part of Exact Sciences
Classification: Benign for PPP2R3A-related condition. Last evaluated: 2019-10-28. Review status: no assertion criteria provided. Collection method: clinical testing. Allele origin: germline.
Comment: This variant is classified as benign based on ACMG/AMP sequence variant interpretation guidelines (Richards et al. 2015 PMID: 25741868, with internal and published modifications).

NM_002718.5(PPP2R3A):c.1785G>A (p.Leu595=)

Gene: PPP2R3A (protein phosphatase 2 regulatory subunit B''alpha; plus strand). Cytogenetic location: 3q22.3.
Variant type: single nucleotide variant.
Coding change: c.1785G>A on transcript NM_002718.5 (MANE Select); coding-DNA position 1785, G replaced by A.
Protein change: p.Leu595=; no amino-acid change (leucine 595 retained).
Molecular consequence: synonymous variant. On other transcripts: intron variant (1).
Genome position (GRCh38, 1-based): chr3:136,003,283, G>A. VCF-style: chr3-136003283-G-A. GRCh37 (hg19) VCF-style: chr3-135722125-G-A.
Other names: c.-213-23549G>A (NM_001190447.2).
Identifiers: ClinVar variation 3045220 (VCV003045220.2), dbSNP rs61756430, ClinGen allele CA2630633.